The following is an entry in ClinVar:

NM_020366.4(RPGRIP1):c.636G>A (p.Met212Ile)

Gene: RPGRIP1 (RPGR interacting protein 1; plus strand). Cytogenetic location: 14q11.2.
Variant type: single nucleotide variant.
Coding change: c.636G>A on transcript NM_020366.4 (MANE Select); coding-DNA position 636, G replaced by A.
Protein change: p.Met212Ile; replaces methionine 212 with isoleucine.
Molecular consequence: missense variant.
Genome position (GRCh38, 1-based): chr14:21,303,379, G>A. VCF-style: chr14-21303379-G-A. GRCh37 (hg19) VCF-style: chr14-21771538-G-A.
Other names: short protein forms M212I.
Identifiers: ClinVar variation 862366 (VCV000862366.10), dbSNP rs1881122797, ClinGen allele CA388860556.

ClinVar aggregate classification (germline): Uncertain significance (1 of 4 stars; one submission).

Conditions:
Leber congenital amaurosis 6 (LCA6). Identifiers: Orphanet 65, MedGen C1854260, MONDO:0013446, OMIM 613826.
Cone-rod dystrophy 13 (CORD13). Identifiers: Orphanet 1872, MedGen C2750720, MONDO:0011987, OMIM 608194.

Allele frequency attached by ClinVar (database versions not stated): gnomAD exomes 0.00001.
gnomAD v4.1: 4 of 1,613,784 alleles (0.00025%); highest among the groups gnomAD compares: Non-Finnish European, 0.00034%; no homozygotes.

Submission:

Labcorp Genetics (formerly Invitae), Labcorp
Classification: Uncertain significance for Leber congenital amaurosis 6; Cone-rod dystrophy 13. Last evaluated: 2019-12-30. Review status: criteria provided, single submitter. Criteria: Invitae Variant Classification Sherloc (09022015). Collection method: clinical testing. Allele origin: germline.
Comment: In summary, the available evidence is currently insufficient to determine the role of this variant in disease. Therefore, it has been classified as a Variant of Uncertain Significance. Algorithms developed to predict the effect of missense changes on protein structure and function (SIFT, PolyPhen-2, Align-GVGD) all suggest that this variant is likely to be tolerated, but these predictions have not been confirmed by published functional studies and their clinical significance is uncertain. This variant has not been reported in the literature in individuals with RPGRIP1-related conditions. This variant is not present in population databases (ExAC no frequency). This sequence change replaces methionine with isoleucine at codon 212 of the RPGRIP1 protein (p.Met212Ile). The methionine residue is weakly conserved and there is a small physicochemical difference between methionine and isoleucine.